The following is an entry in ClinVar:

NM_024809.5(TCTN2):c.1167G>T (p.Trp389Cys)

Gene: TCTN2 (tectonic family member 2; plus strand). Cytogenetic location: 12q24.31.
Variant type: single nucleotide variant.
Coding change: c.1167G>T on transcript NM_024809.5 (MANE Select); coding-DNA position 1167, G replaced by T.
Protein change: p.Trp389Cys; replaces tryptophan 389 with cysteine.
Molecular consequence: missense variant.
Genome position (GRCh38, 1-based): chr12:123,694,909, G>T. VCF-style: chr12-123694909-G-T. GRCh37 (hg19) VCF-style: chr12-124179456-G-T.
Other names: c.1164G>T, p.Trp388Cys (NM_001143850.3); short protein forms W389C, W388C.
Identifiers: ClinVar variation 1030875 (VCV001030875.1), dbSNP rs1956089092, ClinGen allele CA387142329.

ClinVar aggregate classification (germline): Uncertain significance (1 of 4 stars; one submission).

Conditions:
Meckel syndrome, type 8. Identifiers: Orphanet 564, MedGen C3836857, MONDO:0013482, OMIM 613885.

Submission:

Baylor Genetics
Classification: Uncertain significance for Meckel syndrome, type 8. Last evaluated: 2019-10-25. Review status: criteria provided, single submitter. Criteria: ACMG Guidelines, 2015. Collection method: clinical testing. Allele origin: unknown. Affected: yes.
Comment: This variant was determined to be of uncertain significance according to ACMG Guidelines, 2015 [PMID:25741868].